The following is an entry in ClinVar:

ClinVar aggregate classification (germline): Uncertain significance (1 of 4 stars; one submission).

Submission:

Labcorp Genetics (formerly Invitae), Labcorp
Classification: Uncertain significance. Last evaluated: 2025-05-26. Review status: criteria provided, single submitter. Criteria: Invitae Variant Classification Sherloc (09022015). Collection method: clinical testing. Allele origin: germline.
Comment: This sequence change replaces glutamine, which is neutral and polar, with histidine, which is basic and polar, at codon 120 of the SH3PXD2B protein (p.Gln120His). This variant is not present in population databases (gnomAD no frequency). This variant has not been reported in the literature in individuals affected with SH3PXD2B-related conditions. An algorithm developed to predict the effect of missense changes on protein structure and function (PolyPhen-2) suggests that this variant is likely to be disruptive. In summary, the available evidence is currently insufficient to determine the role of this variant in disease. Therefore, it has been classified as a Variant of Uncertain Significance.

NM_001017995.3(SH3PXD2B):c.360G>T (p.Gln120His)

Gene: SH3PXD2B (SH3 and PX domains 2B; minus strand). Cytogenetic location: 5q35.1.
Variant type: single nucleotide variant.
Coding change: c.360G>T on transcript NM_001017995.3 (MANE Select); coding-DNA position 360, G replaced by T.
Protein change: p.Gln120His; replaces glutamine 120 with histidine.
Molecular consequence: missense variant.
Genome position (GRCh38, 1-based): chr5:172,382,077, C>A on the plus strand (G>T on the coding strand, the complement: SH3PXD2B is on the minus strand). VCF-style: chr5-172382077-C-A. GRCh37 (hg19) VCF-style: chr5-171809081-C-A.
Other names: c.360G>T, p.Gln120His (NM_001308175.2); short protein forms Q120H.
Identifiers: ClinVar variation 4767242 (VCV004767242.1).